The following is an entry in ClinVar:

ClinVar aggregate classification (germline): Uncertain significance (1 of 4 stars; one submission).

Conditions:
Acyl-CoA oxidase deficiency. Also called: Peroxisomal acyl-CoA oxidase deficiency; STRAIGHT-CHAIN ACYL-CoA OXIDASE DEFICIENCY; Pseudoneonatal adrenoleukodystrophy. Identifiers: Orphanet 2971, MedGen C1849678, MONDO:0009919, OMIM 264470. Disease mechanism: loss of function.

Allele frequency attached by ClinVar (database versions not stated): TOPMed below 0.00001; gnomAD 0.00001; gnomAD exomes 0.00001.
gnomAD v4.1: 23 of 1,613,600 alleles (0.0014%); highest among the groups gnomAD compares: African/African-American, 0.0027%; no homozygotes.

Submission:

Labcorp Genetics (formerly Invitae), Labcorp
Classification: Uncertain significance for Acyl-CoA oxidase deficiency. Last evaluated: 2024-01-26. Review status: criteria provided, single submitter. Criteria: Invitae Variant Classification Sherloc (09022015). Collection method: clinical testing. Allele origin: germline.
Comment: This sequence change replaces glutamic acid, which is acidic and polar, with lysine, which is basic and polar, at codon 648 of the ACOX1 protein (p.Glu648Lys). This variant is present in population databases (no rsID available, gnomAD 0.0009%). This variant has not been reported in the literature in individuals affected with ACOX1-related conditions. Algorithms developed to predict the effect of missense changes on protein structure and function output the following: SIFT: "Not Available"; PolyPhen-2: "Benign"; Align-GVGD: "Not Available". The lysine amino acid residue is found in multiple mammalian species, which suggests that this missense change does not adversely affect protein function. In summary, the available evidence is currently insufficient to determine the role of this variant in disease. Therefore, it has been classified as a Variant of Uncertain Significance.

NM_004035.7(ACOX1):c.1942G>A (p.Glu648Lys)

Gene: ACOX1 (acyl-CoA oxidase 1; minus strand). Cytogenetic location: 17q25.1.
Variant type: single nucleotide variant.
Coding change: c.1942G>A on transcript NM_004035.7 (MANE Select); coding-DNA position 1942, G replaced by A.
Protein change: p.Glu648Lys; replaces glutamic acid 648 with lysine.
Molecular consequence: missense variant.
Genome position (GRCh38, 1-based): chr17:75,946,789, C>T on the plus strand (G>A on the coding strand, the complement: ACOX1 is on the minus strand). VCF-style: chr17-75946789-C-T. GRCh37 (hg19) VCF-style: chr17-73942870-C-T.
Other names: c.1942G>A, p.Glu648Lys (NM_007292.6); c.1828G>A, p.Glu610Lys (NM_001185039.2); short protein forms E648K, E610K.
Identifiers: ClinVar variation 2722752 (VCV002722752.3), dbSNP rs1008291754, ClinGen allele CA294105189.